The following is an entry in ClinVar:

NM_001002294.3(FMO3):c.1164G>A (p.Trp388Ter)

Gene: FMO3 (flavin containing dimethylaniline monoxygenase 3; plus strand). Cytogenetic location: 1q24.3.
Variant type: single nucleotide variant.
Coding change: c.1164G>A on transcript NM_001002294.3 (MANE Select); coding-DNA position 1164, G replaced by A.
Protein change: p.Trp388Ter; replaces tryptophan 388 with a stop codon.
Molecular consequence: nonsense.
Genome position (GRCh38, 1-based): chr1:171,114,343, G>A. VCF-style: chr1-171114343-G-A. GRCh37 (hg19) VCF-style: chr1-171083483-G-A.
Other names: c.1104G>A, p.Trp368Ter (NM_001319173.2); c.975G>A, p.Trp325Ter (NM_001319174.2); c.1164G>A, p.Trp388Ter (NM_006894.6); short protein forms W325*, W368*, W388*.
Identifiers: ClinVar variation 3574029 (VCV003574029.2).

ClinVar aggregate classification (germline): Pathogenic/Likely pathogenic. Review status: criteria provided, multiple submitters, no conflicts (2 of 4 stars). 2 submissions from 2 submitters: Pathogenic (1); Likely pathogenic (1). Last evaluated 2024-05-25.

Conditions:
Trimethylaminuria (TMAU). Also called: Primary Trimethylaminuria; Fish malodor syndrome; Stale fish syndrome; TMAuria; FISH-ODOR SYNDROME. Identifiers: MedGen C0342739, MONDO:0011182, OMIM 602079, HP:0003614. Disease mechanism: loss of function.

gnomAD v4.1: 8 of 1,613,250 alleles (0.0005%); highest among the groups gnomAD compares: East Asian, 0.018%; no homozygotes.

Submissions (2):

Myriad Genetics, Inc.
Classification: Pathogenic for Trimethylaminuria. Last evaluated: 2024-05-25. Review status: criteria provided, single submitter. Criteria: Myriad Autosomal Dominant, Autosomal Recessive and X-Linked Classification Criteria (2023). Collection method: clinical testing. Allele origin: unknown.
Comment: NM_001002294.2(FMO3):c.1164G>A(W388*) is expected to be pathogenic in the context of primary trimethylaminuria. This variant is predicted to lead to an abnormal or absent protein product due to the creation of a premature termination codon in FMO3, a gene where loss-of-function variants are known to be pathogenic. Please note: this variant was assessed in the context of healthy population screening.

Fulgent Genetics
Classification: Likely pathogenic for Trimethylaminuria. Last evaluated: 2024-04-24. Review status: criteria provided, single submitter. Criteria: ACMG Guidelines, 2015. Collection method: clinical testing. Allele origin: germline.